The following is an entry in ClinVar:

ClinVar aggregate classification (germline): Conflicting classifications of pathogenicity. Review status: criteria provided, conflicting classifications (1 of 4 stars). 3 submissions from 3 submitters: Uncertain significance (2); Likely benign (1). Last evaluated 2025-07-06.

Conditions:
Genitopatellar syndrome (GTPTS). Also called: Genitopatellar syndrome (GPS); ABSENT PATELLAE, SCROTAL HYPOPLASIA, RENAL ANOMALIES, FACIAL DYSMORPHISM, AND MENTAL RETARDATION. Identifiers: Orphanet 85201, MedGen C1853566, MONDO:0011640, OMIM 606170.
Inborn genetic diseases. Identifiers: MedGen C0950123, MeSH D030342.

gnomAD v4.1: 4 of 1,614,082 alleles (0.00025%); highest among the groups gnomAD compares: Non-Finnish European, 0.00034%; no homozygotes.

Submissions (3):

Labcorp Genetics (formerly Invitae), Labcorp
Classification: Uncertain significance for Genitopatellar syndrome. Last evaluated: 2025-07-06. Review status: criteria provided, single submitter. Criteria: Invitae Variant Classification Sherloc (09022015). Collection method: clinical testing. Allele origin: germline.
Comment: This sequence change replaces threonine, which is neutral and polar, with isoleucine, which is neutral and non-polar, at codon 1676 of the KAT6B protein (p.Thr1676Ile). This variant is present in population databases (rs778578648, gnomAD 0.003%). This variant has not been reported in the literature in individuals affected with KAT6B-related conditions. ClinVar contains an entry for this variant (Variation ID: 3338925). An algorithm developed to predict the effect of missense changes on protein structure and function (PolyPhen-2) suggests that this variant is likely to be disruptive. In summary, the available evidence is currently insufficient to determine the role of this variant in disease. Therefore, it has been classified as a Variant of Uncertain Significance.

Ambry Genetics
Classification: Likely benign for Inborn genetic diseases. Last evaluated: 2024-12-03. Review status: criteria provided, single submitter. Criteria: Ambry Variant Classification Scheme 2023. Collection method: clinical testing. Allele origin: germline.

Women's Health and Genetics/Laboratory Corporation of America, LabCorp
Classification: Uncertain significance. Last evaluated: 2024-07-12. Review status: criteria provided, single submitter. Criteria: LabCorp Variant Classification Summary - May 2015. Collection method: clinical testing. Allele origin: germline.
Comment: Variant summary: KAT6B c.5027C>T (p.Thr1676Ile) results in a non-conservative amino acid change in the encoded protein sequence. Five of five in-silico tools predict a damaging effect of the variant on protein function. The variant allele was found at a frequency of 1.2e-05 in 251434 control chromosomes. The available data on variant occurrences in the general population are insufficient to allow any conclusion about variant significance. To our knowledge, no occurrence of c.5027C>T in individuals affected with KAT6B-Related Spectrum Disorders and no experimental evidence demonstrating its impact on protein function have been reported. No submitters have cited clinical-significance assessments for this variant to ClinVar. Based on the evidence outlined above, the variant was classified as uncertain significance.

NM_012330.4(KAT6B):c.5027C>T (p.Thr1676Ile)

Gene: KAT6B (lysine acetyltransferase 6B; plus strand). Cytogenetic location: 10q22.2.
Variant type: single nucleotide variant.
Coding change: c.5027C>T on transcript NM_012330.4 (MANE Select); coding-DNA position 5027, C replaced by T.
Protein change: p.Thr1676Ile; replaces threonine 1676 with isoleucine.
Molecular consequence: missense variant.
Genome position (GRCh38, 1-based): chr10:75,029,851, C>T. VCF-style: chr10-75029851-C-T. GRCh37 (hg19) VCF-style: chr10-76789609-C-T.
Other names: c.5027C>T (NM_012330.2); c.4478C>T, p.Thr1493Ile (NM_001256468.2, NM_001370138.1); c.4151C>T, p.Thr1384Ile (NM_001256469.2, NM_001370139.1, NM_001370140.1 and 2 more transcripts); c.3989C>T, p.Thr1330Ile (NM_001370132.1); c.3338C>T, p.Thr1113Ile (NM_001370133.1); c.2942C>T, p.Thr981Ile (NM_001370134.1); c.2684C>T, p.Thr895Ile (NM_001370135.1); c.5027C>T, p.Thr1676Ile (NM_001370136.1, NM_001370137.1); and 1 more; short protein forms T1113I, T1321I, T1330I, T1384I, T1493I, T1676I, T895I, T981I.
Identifiers: ClinVar variation 3338925 (VCV003338925.3).